The following is an entry in ClinVar:

ClinVar aggregate classification (germline): Likely benign. Review status: criteria provided, multiple submitters, no conflicts (2 of 4 stars). 3 submissions from 3 submitters: Likely benign (2). 1 of the submissions does not count toward it. Last evaluated 2025-12-13.

Conditions:
Wilms tumor 1 (WT1). Also called: Wilms tumor, somatic. Identifiers: Orphanet 654, MedGen CN033288, MONDO:0008679, OMIM 194070.
GPC3-related disorder. Also called: GPC3-related condition.

Allele frequency attached by ClinVar (database versions not stated): gnomAD exomes 0.00001.
gnomAD v4.1: 7 of 1,210,906 alleles (0.00058%); highest among the groups gnomAD compares: Non-Finnish European, 0.00078%; no homozygotes.

Submissions (3):

Labcorp Genetics (formerly Invitae), Labcorp
Classification: Likely benign for Wilms tumor 1. Last evaluated: 2025-12-13. Review status: criteria provided, single submitter. Criteria: Invitae Variant Classification Sherloc (09022015). Collection method: clinical testing. Allele origin: germline.

CeGaT Center for Human Genetics Tuebingen
Classification: Likely benign. Last evaluated: 2023-03-01. Review status: criteria provided, single submitter. Criteria: CeGaT Center For Human Genetics Tuebingen Variant Classification Criteria Version 2. Collection method: clinical testing. Allele origin: germline. Affected: yes. Observed: 1 variant allele.
Comment: GPC3: PM2:Supporting, BP4, BP7

PreventionGenetics, part of Exact Sciences
Classification: Likely benign for GPC3-related condition. Last evaluated: 2022-01-06. Review status: no assertion criteria provided. Collection method: clinical testing. Allele origin: germline. Not counted in ClinVar's aggregate classification.
Comment: This variant is classified as likely benign based on ACMG/AMP sequence variant interpretation guidelines (Richards et al. 2015 PMID: 25741868, with internal and published modifications).

NM_004484.4(GPC3):c.1284C>T (p.Leu428=)

Gene: GPC3 (glypican 3; minus strand). Cytogenetic location: Xq26.2.
Variant type: single nucleotide variant.
Coding change: c.1284C>T on transcript NM_004484.4 (MANE Select); coding-DNA position 1284, C replaced by T.
Protein change: p.Leu428=; no amino-acid change (leucine 428 retained).
Molecular consequence: synonymous variant.
Genome position (GRCh38, 1-based): chrX:133,692,377, G>A on the plus strand (C>T on the coding strand, the complement: GPC3 is on the minus strand). VCF-style: chrX-133692377-G-A. GRCh37 (hg19) VCF-style: chrX-132826405-G-A.
Other names: c.1353C>T, p.Leu451= (NM_001164617.2); c.1236C>T, p.Leu412= (NM_001164618.2); c.1122C>T, p.Leu374= (NM_001164619.2); c.1284C>T (NM_004484.3).
Identifiers: ClinVar variation 1119366 (VCV001119366.34), dbSNP rs2124430679, ClinGen allele CA518638083.